The following is an entry in ClinVar:

ClinVar aggregate classification (germline): Conflicting classifications of pathogenicity. Review status: criteria provided, conflicting classifications (1 of 4 stars). 6 submissions from 6 submitters: Uncertain significance (2); Benign (1); Likely benign (3). Last evaluated 2026-01-17.

Conditions:
JAG1-related disorder. Also called: JAG1-related disorders; JAG1-related condition.
Isolated Nonsyndromic Congenital Heart Disease.
Alagille syndrome due to a JAG1 point mutation. Also called: HEPATIC DUCTULAR HYPOPLASIA, SYNDROMATIC; Alagille Syndrome 1; JAG1-Related Alagille Syndrome. Identifiers: Orphanet 261619, Orphanet 52, MedGen C1956125, MONDO:0016862, OMIM 118450.
Cardiovascular phenotype. Identifiers: MedGen CN230736.

Allele frequency attached by ClinVar (database versions not stated): gnomAD 0.00006 and 0.00007; TOPMed 0.00006; gnomAD exomes 0.00008; ExAC 0.00012.
gnomAD v4.1: 357 of 1,611,230 alleles (0.022%); highest among the groups gnomAD compares: Non-Finnish European, 0.028%; no homozygotes.

Submissions (6):

Labcorp Genetics (formerly Invitae), Labcorp
Classification: Likely benign for Alagille syndrome due to a JAG1 point mutation. Last evaluated: 2026-01-17. Review status: criteria provided, single submitter. Criteria: Invitae Variant Classification Sherloc (09022015). Collection method: clinical testing. Allele origin: germline.

Mayo Clinic Laboratories, Mayo Clinic
Classification: Uncertain significance. Last evaluated: 2025-09-06. Review status: criteria provided, single submitter. Criteria: ACMG Guidelines, 2015. Collection method: clinical testing. Allele origin: germline. Observed: 1 variant allele.
Comment: BS2

PreventionGenetics, part of Exact Sciences
Classification: Likely benign for JAG1-related condition. Last evaluated: 2025-06-30. Review status: criteria provided, single submitter. Criteria: ACMG Guidelines, 2015. Collection method: clinical testing. Allele origin: germline.
Comment: This variant is classified as likely benign based on ACMG/AMP sequence variant interpretation guidelines (Richards et al. 2015 PMID: 25741868, with internal and published modifications).

Blueprint Genetics
Classification: Likely benign. Last evaluated: 2024-10-31. Review status: criteria provided, single submitter. Criteria: ACMG Guidelines, 2015. Collection method: clinical testing. Allele origin: germline.

Ambry Genetics
Classification: Uncertain significance for Cardiovascular phenotype. Last evaluated: 2022-12-31. Review status: criteria provided, single submitter. Criteria: Ambry Variant Classification Scheme 2023. Collection method: clinical testing. Allele origin: germline.
Comment: The p.A339S variant (also known as c.1015G>T), located in coding exon 8 of the JAG1 gene, results from a G to T substitution at nucleotide position 1015. The alanine at codon 339 is replaced by serine, an amino acid with similar properties. This amino acid position is conserved. In addition, the in silico prediction for this alteration is inconclusive. Since supporting evidence is limited at this time, the clinical significance of this alteration remains unclear.

Illumina Laboratory Services, Illumina
Classification: Benign for Isolated Nonsyndromic Congenital Heart Disease. Last evaluated: 2018-01-12. Review status: criteria provided, single submitter. Criteria: ICSL Variant Classification Criteria 13 December 2019. Collection method: clinical testing. Allele origin: germline.
Comment: This variant was observed in the ICSL laboratory as part of a predisposition screen in an ostensibly healthy population. It had not been previously curated by ICSL or reported in the Human Gene Mutation Database (HGMD: prior to June 1st, 2018), and was therefore a candidate for classification through an automated scoring system. Utilizing variant allele frequency, disease prevalence and penetrance estimates, and inheritance mode, an automated score was calculated to assess if this variant is too frequent to cause the disease. Based on the score and internal cut-off values, a variant classified as benign is not then subjected to further curation. The score for this variant resulted in a classification of benign for this disease.

NM_000214.3(JAG1):c.1015G>T (p.Ala339Ser)

Gene: JAG1 (jagged canonical Notch ligand 1; minus strand). Cytogenetic location: 20p12.2.
Variant type: single nucleotide variant.
Coding change: c.1015G>T on transcript NM_000214.3 (MANE Select); coding-DNA position 1015, G replaced by T.
Protein change: p.Ala339Ser; replaces alanine 339 with serine.
Molecular consequence: missense variant.
Genome position (GRCh38, 1-based): chr20:10,651,686, C>A on the plus strand (G>T on the coding strand, the complement: JAG1 is on the minus strand). VCF-style: chr20-10651686-C-A. GRCh37 (hg19) VCF-style: chr20-10632334-C-A.
Other names: p.Ala339Ser; short protein forms A339S.
Identifiers: ClinVar variation 897755 (VCV000897755.17), dbSNP rs751516838, ClinGen allele CA9764988.